The following is an entry in ClinVar:

ClinVar aggregate classification (germline): Pathogenic (1 of 4 stars; one submission).

Conditions:
Inborn genetic diseases. Identifiers: MedGen C0950123, MeSH D030342.

Submission:

Ambry Genetics
Classification: Pathogenic for Hereditary disease. Last evaluated: 2017-06-23. Review status: criteria provided, single submitter. Criteria: ambry_reporting_categories_2017. Collection method: clinical testing. Allele origin: germline. Affected: yes. Observed: 1 heterozygote. Segregation with disease observed.
Comment: Lines of evidence used in support of classification: POSITIVE: Relevant Alteration(s) Detected

Literature cited by the submitters: PubMed 21706002; PubMed 22419483; PubMed 25921057; PubMed 26364555; PubMed 22436456; PubMed 21368916; PubMed 15040442.

NM_015338.6(ASXL1):c.2763_2770delinsCAA (p.Val922fs)

Gene: ASXL1 (ASXL transcriptional regulator 1; plus strand). Cytogenetic location: 20q11.21.
Variant type: Indel.
Coding change: c.2763_2770delinsCAA on transcript NM_015338.6 (MANE Select); coding-DNA positions 2763 to 2770, TGTTGAGC replaced by CAA.
Protein change: p.Val922fs; shifts the reading frame from valine 922.
Molecular consequence: frameshift variant.
Genome position (GRCh38, 1-based): chr20:32,435,475-32,435,482, TGTTGAGC replaced by CAA. VCF-style: chr20-32435475-TGTTGAGC-CAA. GRCh37 (hg19) VCF-style: chr20-31023278-TGTTGAGC-CAA.
Other names: c.2580_2587delinsCAA, p.Val861fs (NM_001363734.1); c.2763_2770delTGTTGAGCinsCAA (NM_015338.5); short protein forms V861fs, V922fs.
Identifiers: ClinVar variation 521462 (VCV000521462.3), dbSNP rs1555912285, ClinGen allele CA658799355.